The following is an entry in ClinVar:

NM_003601.4(SMARCA5):c.289A>G (p.Lys97Glu)

Gene: SMARCA5 (SNF2 related chromatin remodeling ATPase 5; plus strand). Cytogenetic location: 4q31.21.
Variant type: single nucleotide variant.
Coding change: c.289A>G on transcript NM_003601.4 (MANE Select); coding-DNA position 289, A replaced by G.
Protein change: p.Lys97Glu; replaces lysine 97 with glutamic acid.
Molecular consequence: missense variant.
Genome position (GRCh38, 1-based): chr4:143,521,465, A>G. VCF-style: chr4-143521465-A-G. GRCh37 (hg19) VCF-style: chr4-144442618-A-G.
Other names: short protein forms K97E.
Identifiers: ClinVar variation 5020330 (VCV005020330.1).

ClinVar aggregate classification (germline): Uncertain significance (1 of 4 stars; one submission).

Submission:

Dasa
Classification: Uncertain significance. Last evaluated: 2026-06-21. Review status: criteria provided, single submitter. Criteria: DASA Assertion Criteria. Collection method: clinical testing. Allele origin: germline.
Comment: NM_003601.4(SMARCA5):c.289A>G (p.Lys97Glu) is a missense variant that results in the substitution of lysine with glutamic acid. This variant is rare in population databases. The currently available literature and clinical evidence are not sufficient to establish a definitive association between this variant and the reported condition. Therefore, this variant is classified as a variant of uncertain significance.